The following is an entry in ClinVar:

ClinVar aggregate classification (germline): Conflicting classifications of pathogenicity. Review status: criteria provided, conflicting classifications (1 of 4 stars). 9 submissions from 8 submitters: Uncertain significance (1); Benign (1); Likely benign (5). 2 of the submissions do not count toward it. Last evaluated 2026-02-03.

Conditions:
Hereditary cancer-predisposing syndrome. Also called: Tumor predisposition; Neoplastic Syndromes, Hereditary; Hereditary neoplastic syndrome; Hereditary Cancer Syndrome. Identifiers: Orphanet 140162, MedGen C0027672, MeSH D009386, MONDO:0015356.
Holoprosencephaly 7 (HPE7). Identifiers: Orphanet 2162, MedGen C1835820, MONDO:0012562, OMIM 610828.
Gorlin syndrome. Also called: Basal cell nevus syndrome; Nevoid Basal Cell Carcinoma Syndrome. Identifiers: Orphanet 377, MedGen C0004779, MONDO:0007187.
PTCH1-related disorder. Also called: PTCH1-related disorders; PTCH1-related condition.

Allele frequency attached by ClinVar (database versions not stated): gnomAD exomes 0.00013; gnomAD 0.00009 and 0.00010; TOPMed 0.00012; ExAC 0.00013.
gnomAD v4.1: 134 of 1,611,462 alleles (0.0083%); highest among the groups gnomAD compares: South Asian, 0.0099%; 1 homozygote.

Submissions (9):

Labcorp Genetics (formerly Invitae), Labcorp
Classification: Likely benign for Gorlin syndrome. Last evaluated: 2026-02-03. Review status: criteria provided, single submitter. Criteria: Invitae Variant Classification Sherloc (09022015). Collection method: clinical testing. Allele origin: germline.

Blueprint Genetics
Classification: Likely benign. Last evaluated: 2023-11-29. Review status: criteria provided, single submitter. Criteria: ACMG Guidelines, 2015. Collection method: clinical testing. Allele origin: germline.

Ambry Genetics
Classification: Benign for Hereditary cancer-predisposing syndrome. Last evaluated: 2022-09-22. Review status: criteria provided, single submitter. Criteria: Ambry Variant Classification Scheme 2023. Collection method: clinical testing. Allele origin: germline.

Sema4
Classification: Likely benign for Hereditary cancer-predisposing syndrome. Last evaluated: 2021-04-23. Review status: criteria provided, single submitter. Criteria: Sema4 Curation Guidelines. Collection method: curation. Allele origin: germline.

GeneDx
Classification: Likely benign. Last evaluated: 2018-03-05. Review status: criteria provided, single submitter. Criteria: GeneDx Variant Classification (06012015). Collection method: clinical testing. Allele origin: germline. Affected: yes.
Comment: This variant is considered likely benign or benign based on one or more of the following criteria: it is a conservative change, it occurs at a poorly conserved position in the protein, it is predicted to be benign by multiple in silico algorithms, and/or has population frequency not consistent with disease.

Illumina Laboratory Services, Illumina
Classification: Uncertain significance for Holoprosencephaly 7. Last evaluated: 2018-01-13. Review status: criteria provided, single submitter. Criteria: ICSL Variant Classification Criteria 13 December 2019. Collection method: clinical testing. Allele origin: germline.

Illumina Laboratory Services, Illumina
Classification: Likely benign for Basal cell nevus syndrome 1. Last evaluated: 2018-01-13. Review status: criteria provided, single submitter. Criteria: ICSL Variant Classification Criteria 13 December 2019. Collection method: clinical testing. Allele origin: germline.
Comment: This variant was observed in the ICSL laboratory as part of a predisposition screen in an ostensibly healthy population. It had not been previously curated by ICSL or reported in the Human Gene Mutation Database (HGMD: prior to June 1st, 2018), and was therefore a candidate for classification through an automated scoring system. Utilizing variant allele frequency, disease prevalence and penetrance estimates, and inheritance mode, an automated score was calculated to assess if this variant is too frequent to cause the disease. Based on the score and internal cut-off values, a variant classified as likely benign is not then subjected to further curation. The score for this variant resulted in a classification of likely benign for this disease.

PreventionGenetics, part of Exact Sciences
Classification: Likely benign for PTCH1-related condition. Last evaluated: 2021-09-14. Review status: no assertion criteria provided. Collection method: clinical testing. Allele origin: germline. Not counted in ClinVar's aggregate classification.
Comment: This variant is classified as likely benign based on ACMG/AMP sequence variant interpretation guidelines (Richards et al. 2015 PMID: 25741868, with internal and published modifications).

Biesecker Lab/Clinical Genomics Section, National Institutes of Health
Classification: Uncertain significance. Last evaluated: 2012-07-13. Review status: no assertion criteria provided. Collection method: research. Allele origin: germline. Affected: no. Observed: 1 variant allele. Study: ClinSeq. Not counted in ClinVar's aggregate classification.
ClinVar note: Converted during submission from variant of unknown significance to Uncertain significance.

Literature cited by the submitters: PubMed 30262796 (cited by Sema4); PubMed 28873162 (cited by Sema4).

NM_000264.5(PTCH1):c.4027G>A (p.Gly1343Arg)

Gene: PTCH1 (patched 1; minus strand). Cytogenetic location: 9q22.32.
Variant type: single nucleotide variant.
Coding change: c.4027G>A on transcript NM_000264.5 (MANE Select); coding-DNA position 4027, G replaced by A.
Protein change: p.Gly1343Arg; replaces glycine 1343 with arginine.
Molecular consequence: missense variant. On other transcripts: non-coding transcript variant (1).
Genome position (GRCh38, 1-based): chr9:95,447,229, C>T on the plus strand (G>A on the coding strand, the complement: PTCH1 is on the minus strand). VCF-style: chr9-95447229-C-T. GRCh37 (hg19) VCF-style: chr9-98209511-C-T.
Other names: c.3829G>A, p.Gly1277Arg (NM_001083602.3); c.4024G>A, p.Gly1342Arg (NM_001083603.3); c.3574G>A, p.Gly1192Arg (NM_001083604.3, NM_001083605.3, NM_001083606.3 and 1 more transcripts); c.3871G>A, p.Gly1291Arg (NM_001354918.2); short protein forms G1277R, G1343R, G1291R, G1342R, G1192R.
Identifiers: ClinVar variation 41664 (VCV000041664.29), dbSNP rs200100952, ClinGen allele CA215720.